The following is an entry in ClinVar:

ClinVar aggregate classification (germline): Pathogenic. Review status: criteria provided, single submitter (1 of 4 stars). 2 submissions from 2 submitters: Pathogenic (1). 1 of the submissions does not count toward it. Last evaluated 2019-04-12.

Conditions:
Familial long QT syndrome (RWS). Also called: Congenital long QT syndrome; Romano-Ward syndrome; VENTRICULAR FIBRILLATION WITH PROLONGED QT INTERVAL. Identifiers: Orphanet 768, MedGen C1141890, MONDO:0019171.

Submissions (2):

GeneDx
Classification: Pathogenic. Last evaluated: 2019-04-12. Review status: criteria provided, single submitter. Criteria: GeneDx Variant Classification Process June 2021. Collection method: clinical testing. Allele origin: germline. Affected: yes.
Comment: Observed in individuals with LQTS referred for genetic testing at Genedx and in the published literature (Kapplinger et al., 2009); Not observed in large population cohorts (Lek et al., 2016); Published functional studies demonstrate Y616C generated minimal current, suggesting altered channel permeability as a mechanism that leads to loss of function (Anderson et al., 2014); In silico analysis, which includes protein predictors and evolutionary conservation, supports a deleterious effect; Reported in ClinVar as a likely pathogenic variant (ClinVar Variant ID 67295; Landrum et al., 2016); This variant is associated with the following publications: (PMID: 19716085, 25417810)

Cardiovascular Biomedical Research Unit, Royal Brompton & Harefield NHS Foundation Trust
No classification provided. Condition: Familial long QT syndrome. Review status: no classification provided. Collection method: literature only. Allele origin: germline. Not counted in ClinVar's aggregate classification.
Comment: This variant has been reported as associated with Long QT syndrome in the following publications (PMID:19716085). This is a literature report, and does not necessarily reflect the clinical interpretation of the Imperial College / Royal Brompton Cardiovascular Genetics laboratory.

Literature cited by the submitters: PubMed 19716085 (cited by Cardiovascular Biomedical Research Unit, Royal Brompton & Harefield NHS Foundation Trust); PubMed 22581653 (cited by Cardiovascular Biomedical Research Unit, Royal Brompton & Harefield NHS Foundation Trust).

NM_000238.4(KCNH2):c.1847A>G (p.Tyr616Cys)

Gene: KCNH2 (potassium voltage-gated channel subfamily H member 2; minus strand). Cytogenetic location: 7q36.1.
Variant type: single nucleotide variant.
Coding change: c.1847A>G on transcript NM_000238.4 (MANE Select); coding-DNA position 1847, A replaced by G.
Protein change: p.Tyr616Cys; replaces tyrosine 616 with cysteine.
Molecular consequence: missense variant.
Genome position (GRCh38, 1-based): chr7:150,951,546, T>C on the plus strand (A>G on the coding strand, the complement: KCNH2 is on the minus strand). VCF-style: chr7-150951546-T-C. GRCh37 (hg19) VCF-style: chr7-150648634-T-C.
Other names: p.Y616C:TAC>TGC; c.1847A>G (LRG_288t1); c.827A>G, p.Tyr276Cys (NM_001204798.2, NM_172057.3); c.1559A>G, p.Tyr520Cys (NM_001406753.1, NM_001406756.1); c.1670A>G, p.Tyr557Cys (NM_001406755.1); c.1547A>G, p.Tyr516Cys (NM_001406757.1); c.1847A>G, p.Tyr616Cys (NM_172056.3); short protein forms Y276C, Y616C, Y516C, Y557C, Y520C.
Identifiers: ClinVar variation 67295 (VCV000067295.5), dbSNP rs199472946, ClinGen allele CA005674.